The following is an entry in ClinVar:

NM_000059.4(BRCA2):c.4717del (p.Cys1573fs)

Gene: BRCA2 (BRCA2 DNA repair associated; plus strand). Cytogenetic location: 13q13.1.
Variant type: Deletion.
Coding change: c.4717del on transcript NM_000059.4 (MANE Select); coding-DNA position 4717, one base deleted (T; older notation c.4717delT).
Protein change: p.Cys1573fs; shifts the reading frame from cysteine 1573.
Molecular consequence: frameshift variant. On other transcripts: non-coding transcript variant (1), intron variant (2).
Genome position (GRCh38, 1-based): chr13:32,339,072, T deleted. VCF-style (leftmost placement, unchanged base first): chr13-32339071-CT-C. GRCh37 (hg19) VCF-style: chr13-32913208-CT-C.
Other names: c.4717del, p.Cys1573fs (NM_001406719.1, NM_001406720.1, NM_001432077.1); c.1910-5486del (NM_001406721.1); c.425-5486del (NM_001406722.1); short protein forms C1573fs.
Identifiers: ClinVar variation 4850069 (VCV004850069.1).

ClinVar aggregate classification (germline): Pathogenic (1 of 4 stars; one submission).

Conditions:
Inherited breast cancer and ovarian cancer.

Submission:

Genetics Laboratory, Great Ormond Street Hospital NHS Foundation Trust, North Thames Genomic Laboratory Hub
Classification: Pathogenic for Inherited breast cancer and ovarian cancer. Last evaluated: 2026-03-09. Review status: criteria provided, single submitter. Criteria: CanVIG BRCA Gene Specific V1.22. Collection method: clinical testing. Allele origin: germline. Affected: yes.
Comment: PM2_moderate, PVS1_very-strong, PM5_strong